The following is an entry in ClinVar:

NM_153033.5(KCTD7):c.371C>G (p.Ala124Gly)

Gene: KCTD7 (potassium channel tetramerization domain containing 7; plus strand). Cytogenetic location: 7q11.21.
Variant type: single nucleotide variant.
Coding change: c.371C>G on transcript NM_153033.5 (MANE Select); coding-DNA position 371, C replaced by G.
Protein change: p.Ala124Gly; replaces alanine 124 with glycine.
Molecular consequence: missense variant.
Genome position (GRCh38, 1-based): chr7:66,638,309, C>G. VCF-style: chr7-66638309-C-G. GRCh37 (hg19) VCF-style: chr7-66103296-C-G.
Other names: c.371C>G, p.Ala124Gly (NM_001167961.2); short protein forms A124G.
Identifiers: ClinVar variation 938692 (VCV000938692.13), dbSNP rs1786632902, ClinGen allele CA367696222.
Genomic context (GRCh38, chr7:66,638,309, plus strand): 5'-TTAGAGATGTGCTGAATTTCCTGCGCTCAGGGGACCTCCCACCCAGGGAGCGTGTTCGAG[C>G]TGTGTACAAAGAGGCCCAGTACTATGCCATCGGGCCCCTCCTGGAGCAGCTGGAGAACAT-3'
Protein context (NP_694578.1, residues 114-134): GDLPPRERVR[Ala124Gly]VYKEAQYYAI

ClinVar aggregate classification (germline): Uncertain significance. Review status: criteria provided, multiple submitters, no conflicts (2 of 4 stars). 2 submissions from 2 submitters: Uncertain significance (2). Last evaluated 2023-08-07.

Conditions:
Progressive myoclonic epilepsy type 3. Also called: KCTD7-Related Progressive Myoclonic Epilepsy; EPILEPSY, PROGRESSIVE MYOCLONIC, 3, WITH OR WITHOUT INTRACELLULAR INCLUSIONS; CEROID LIPOFUSCINOSIS, NEURONAL, 14; EPILEPSY, PROGRESSIVE MYOCLONIC, 3, WITHOUT INTRACELLULAR INCLUSIONS. Identifiers: Orphanet 263516, MedGen C2673257, MONDO:0012721, OMIM 611726.

Submissions (2):

GeneDx
Classification: Uncertain significance. Last evaluated: 2023-08-07. Review status: criteria provided, single submitter. Criteria: GeneDx Variant Classification Process June 2021. Collection method: clinical testing. Allele origin: germline. Affected: yes.
Comment: Not observed at significant frequency in large population cohorts (gnomAD); In silico analysis, which includes splice predictors and evolutionary conservation, supports that this variant does not alter protein structure/function; Has not been previously published as pathogenic or benign to our knowledge

Labcorp Genetics (formerly Invitae), Labcorp
Classification: Uncertain significance for Progressive myoclonic epilepsy type 3. Last evaluated: 2019-06-19. Review status: criteria provided, single submitter. Criteria: Invitae Variant Classification Sherloc (09022015). Collection method: clinical testing. Allele origin: germline.
Comment: Algorithms developed to predict the effect of missense changes on protein structure and function (SIFT, PolyPhen-2, Align-GVGD) all suggest that this variant is likely to be tolerated, but these predictions have not been confirmed by published functional studies and their clinical significance is uncertain. In summary, the available evidence is currently insufficient to determine the role of this variant in disease. Therefore, it has been classified as a Variant of Uncertain Significance. Algorithms developed to predict the effect of sequence changes on RNA splicing suggest that this variant may create or strengthen a splice site, but this prediction has not been confirmed by published transcriptional studies. This variant has not been reported in the literature in individuals with KCTD7-related conditions. This variant is not present in population databases (ExAC no frequency). This sequence change replaces alanine with glycine at codon 124 of the KCTD7 protein (p.Ala124Gly). The alanine residue is highly conserved and there is a small physicochemical difference between alanine and glycine.